The following is an entry in ClinVar:

ClinVar aggregate classification (germline): Uncertain significance (0 of 4 stars; one submission).

Conditions:
AFG3L2-related disorder. Also called: AFG3L2-related condition.

Allele frequency attached by ClinVar (database versions not stated): TOPMed 0.00001.

Submission:

PreventionGenetics, part of Exact Sciences
Classification: Uncertain significance for AFG3L2-related condition. Last evaluated: 2023-11-16. Review status: no assertion criteria provided. Collection method: clinical testing. Allele origin: germline.
Comment: The AFG3L2 c.67C>T variant is predicted to result in the amino acid substitution p.Leu23Phe. To our knowledge, this variant has not been reported in the literature or in a large population database, indicating this variant is rare. At this time, the clinical significance of this variant is uncertain due to the absence of conclusive functional and genetic evidence.

NM_006796.3(AFG3L2):c.67C>T (p.Leu23Phe)

Gene: AFG3L2 (AFG3 like matrix AAA peptidase subunit 2; minus strand). Cytogenetic location: 18p11.21.
Variant type: single nucleotide variant.
Coding change: c.67C>T on transcript NM_006796.3 (MANE Select); coding-DNA position 67, C replaced by T.
Protein change: p.Leu23Phe; replaces leucine 23 with phenylalanine.
Molecular consequence: missense variant.
Genome position (GRCh38, 1-based): chr18:12,377,016, G>A on the plus strand (C>T on the coding strand, the complement: AFG3L2 is on the minus strand). VCF-style: chr18-12377016-G-A. GRCh37 (hg19) VCF-style: chr18-12377015-G-A.
Other names: short protein forms L23F.
Identifiers: ClinVar variation 3044162 (VCV003044162.2), dbSNP rs1403558421, ClinGen allele CA401955535.